The following is an entry in ClinVar:

ClinVar aggregate classification (germline): Uncertain significance (1 of 4 stars; one submission).

Conditions:
Familial melanoma. Also called: Hereditary melanoma; Hereditary cutaneous melanoma. Identifiers: Orphanet 618, MedGen C1512419, MONDO:0018961.

Submission:

Labcorp Genetics (formerly Invitae), Labcorp
Classification: Uncertain significance for Familial melanoma. Last evaluated: 2024-11-25. Review status: criteria provided, single submitter. Criteria: Invitae Variant Classification Sherloc (09022015). Collection method: clinical testing. Allele origin: germline.
Comment: This sequence change replaces arginine, which is basic and polar, with proline, which is neutral and non-polar, at codon 24 of the CDK4 protein (p.Arg24Pro). This variant is not present in population databases (gnomAD no frequency). This variant has not been reported in the literature in individuals affected with CDK4-related conditions. An algorithm developed to predict the effect of missense changes on protein structure and function (PolyPhen-2) suggests that this variant is likely to be disruptive. This variant disrupts the p.Arg24 amino acid residue in CDK4. Other variant(s) that disrupt this residue have been determined to be pathogenic (PMID: 9425228, 15880589). This suggests that this residue is clinically significant, and that variants that disrupt this residue are likely to be disease-causing. In summary, the available evidence is currently insufficient to determine the role of this variant in disease. Therefore, it has been classified as a Variant of Uncertain Significance.

Literature cited by the submitters: PubMed 9425228; PubMed 15880589.

NM_000075.4(CDK4):c.71G>C (p.Arg24Pro)

Gene: CDK4 (cyclin dependent kinase 4; minus strand). Cytogenetic location: 12q14.1.
Variant type: single nucleotide variant.
Coding change: c.71G>C on transcript NM_000075.4 (MANE Select); coding-DNA position 71, G replaced by C.
Protein change: p.Arg24Pro; replaces arginine 24 with proline.
Molecular consequence: missense variant.
Genome position (GRCh38, 1-based): chr12:57,751,647, C>G on the plus strand (G>C on the coding strand, the complement: CDK4 is on the minus strand). VCF-style: chr12-57751647-C-G. GRCh37 (hg19) VCF-style: chr12-58145430-C-G.
Other names: short protein forms R24P.
Identifiers: ClinVar variation 3726044 (VCV003726044.2).